The following is an entry in ClinVar:

NM_005428.4(VAV1):c.1378G>C (p.Gly460Arg)

Gene: VAV1 (vav guanine nucleotide exchange factor 1; plus strand). Cytogenetic location: 19p13.3.
Variant type: single nucleotide variant.
Coding change: c.1378G>C on transcript NM_005428.4 (MANE Select); coding-DNA position 1378, G replaced by C.
Protein change: p.Gly460Arg; replaces glycine 460 with arginine.
Molecular consequence: missense variant.
Genome position (GRCh38, 1-based): chr19:6,829,898, G>C. VCF-style: chr19-6829898-G-C. GRCh37 (hg19) VCF-style: chr19-6829909-G-C.
Other names: c.1378G>C, p.Gly460Arg (NM_001258206.2); c.1282G>C, p.Gly428Arg (NM_001258207.2); short protein forms G428R, G460R.
Identifiers: ClinVar variation 3671242 (VCV003671242.2).

ClinVar aggregate classification (germline): Uncertain significance (1 of 4 stars; one submission).

Submission:

Labcorp Genetics (formerly Invitae), Labcorp
Classification: Uncertain significance. Last evaluated: 2024-05-10. Review status: criteria provided, single submitter. Criteria: Invitae Variant Classification Sherloc (09022015). Collection method: clinical testing. Allele origin: germline.
Comment: This sequence change replaces glycine, which is neutral and non-polar, with arginine, which is basic and polar, at codon 460 of the VAV1 protein (p.Gly460Arg). This variant is not present in population databases (gnomAD no frequency). This variant has not been reported in the literature in individuals affected with VAV1-related conditions. An algorithm developed to predict the effect of missense changes on protein structure and function (PolyPhen-2) suggests that this variant is likely to be disruptive. In summary, the available evidence is currently insufficient to determine the role of this variant in disease. Therefore, it has been classified as a Variant of Uncertain Significance.